The following is an entry in ClinVar:

ClinVar aggregate classification (germline): Uncertain significance (1 of 4 stars; one submission).

Conditions:
Cataract 20 multiple types (CTRCT20). Also called: Membranous cataract. Identifiers: Orphanet 91492, MedGen C0524524, MONDO:0007284, OMIM 116100, HP:0010922.

Allele frequency attached by ClinVar (database versions not stated): gnomAD exomes below 0.00001; TOPMed below 0.00001.
gnomAD v4.1: 4 of 1,600,186 alleles (0.00025%); highest among the groups gnomAD compares: Non-Finnish European, 0.00026%; no homozygotes.

Submission:

Labcorp Genetics (formerly Invitae), Labcorp
Classification: Uncertain significance for Cataract 20 multiple types. Last evaluated: 2023-04-26. Review status: criteria provided, single submitter. Criteria: Invitae Variant Classification Sherloc (09022015). Collection method: clinical testing. Allele origin: germline.
Comment: This sequence change falls in intron 1 of the CRYGS gene. It does not directly change the encoded amino acid sequence of the CRYGS protein. It affects a nucleotide within the consensus splice site. The frequency data for this variant in the population databases is considered unreliable, as metrics indicate poor data quality at this position in the gnomAD database. This variant has not been reported in the literature in individuals affected with CRYGS-related conditions. Variants that disrupt the consensus splice site are a relatively common cause of aberrant splicing (PMID: 17576681, 9536098). Algorithms developed to predict the effect of sequence changes on RNA splicing suggest that this variant is not likely to affect RNA splicing. In summary, the available evidence is currently insufficient to determine the role of this variant in disease. Therefore, it has been classified as a Variant of Uncertain Significance.

Literature cited by the submitters: PubMed 17576681; PubMed 9536098.

NM_017541.4(CRYGS):c.21+6T>C

Gene: CRYGS (crystallin gamma S; minus strand). Cytogenetic location: 3q27.3.
Variant type: single nucleotide variant.
Coding change: c.21+6T>C on transcript NM_017541.4 (MANE Select); 6 bases into the intron after coding-DNA position 21, T replaced by C.
Molecular consequence: intron variant.
Genome position (GRCh38, 1-based): chr3:186,544,300, A>G on the plus strand (T>C on the coding strand, the complement: CRYGS is on the minus strand). VCF-style: chr3-186544300-A-G. GRCh37 (hg19) VCF-style: chr3-186262089-A-G.
Identifiers: ClinVar variation 2997085 (VCV002997085.3), dbSNP rs1261487921, ClinGen allele CA548457665.